The following is an entry in ClinVar:

NM_020223.4(FAM20C):c.1652G>T (p.Arg551Leu)

Gene: FAM20C (FAM20C golgi associated secretory pathway kinase; plus strand). Cytogenetic location: 7p22.3.
Variant type: single nucleotide variant.
Coding change: c.1652G>T on transcript NM_020223.4 (MANE Select); coding-DNA position 1652, G replaced by T.
Protein change: p.Arg551Leu; replaces arginine 551 with leucine.
Molecular consequence: missense variant.
Genome position (GRCh38, 1-based): chr7:259,877, G>T. VCF-style: chr7-259877-G-T. GRCh37 (hg19) VCF-style: chr7-299843-G-T.
Other names: short protein forms R551L.
Identifiers: ClinVar variation 1043192 (VCV001043192.6), dbSNP rs150231592, ClinGen allele CA366526390.

ClinVar aggregate classification (germline): Uncertain significance (1 of 4 stars; one submission).

Allele frequency attached by ClinVar (database versions not stated): 1000 Genomes Project 30x 0.00016.
gnomAD v4.1: 31 of 1,536,160 alleles (0.002%); highest among the groups gnomAD compares: Non-Finnish European, 0.0026%; no homozygotes.

Submission:

Labcorp Genetics (formerly Invitae), Labcorp
Classification: Uncertain significance. Last evaluated: 2021-09-02. Review status: criteria provided, single submitter. Criteria: Invitae Variant Classification Sherloc (09022015). Collection method: clinical testing. Allele origin: germline.
Comment: This sequence change replaces arginine with leucine at codon 551 of the FAM20C protein (p.Arg551Leu). The arginine residue is highly conserved and there is a moderate physicochemical difference between arginine and leucine. This variant is not present in population databases (ExAC no frequency). This variant has not been reported in the literature in individuals affected with FAM20C-related conditions. Algorithms developed to predict the effect of missense changes on protein structure and function (SIFT, PolyPhen-2, Align-GVGD) all suggest that this variant is likely to be tolerated. In summary, the available evidence is currently insufficient to determine the role of this variant in disease. Therefore, it has been classified as a Variant of Uncertain Significance.